The following is an entry in ClinVar:

ClinVar aggregate classification (germline): Uncertain significance. Review status: criteria provided, multiple submitters, no conflicts (2 of 4 stars). 5 submissions from 5 submitters: Uncertain significance (5). Last evaluated 2025-02-06.

Conditions:
Inborn genetic diseases. Identifiers: MedGen C0950123, MeSH D030342.

Allele frequency attached by ClinVar (database versions not stated): ExAC 0.00034; gnomAD 0.00041; TOPMed 0.00043; ESP Exome Variant Server 0.00062.
gnomAD v4.1: 1,241 of 1,613,770 alleles (0.077%); highest among the groups gnomAD compares: Non-Finnish European, 0.097%; no homozygotes.

Submissions (5):

Women's Health and Genetics/Laboratory Corporation of America, LabCorp
Classification: Uncertain significance. Last evaluated: 2025-02-06. Review status: criteria provided, single submitter. Criteria: LabCorp Variant Classification Summary - May 2015. Collection method: clinical testing. Allele origin: germline.
Comment: Variant summary: HIKESHI c.311G>A (p.Arg104Gln) results in a conservative amino acid change located in the Hikeshi-like, N-terminal domain (IPR008493) of the encoded protein sequence. Five of five in-silico tools predict a benign effect of the variant on protein function. The variant allele was found at a frequency of 0.00035 in 251240 control chromosomes. This frequency is not significantly higher than estimated for a pathogenic variant in HIKESHI causing Hypomyelinating Leukodystrophy 13, allowing no conclusion about variant significance. To our knowledge, no occurrence of c.311G>A in individuals affected with Hypomyelinating Leukodystrophy 13 and no experimental evidence demonstrating its impact on protein function have been reported. ClinVar contains an entry for this variant (Variation ID: 2063445). Based on the evidence outlined above, the variant was classified as uncertain significance.

CeGaT Center for Human Genetics Tuebingen
Classification: Uncertain significance. Last evaluated: 2024-12-01. Review status: criteria provided, single submitter. Criteria: CeGaT Center For Human Genetics Tuebingen Variant Classification Criteria Version 2. Collection method: clinical testing. Allele origin: germline. Affected: yes. Observed: 1 variant allele.
Comment: HIKESHI: PM2:Supporting, BP4

Blueprint Genetics
Classification: Uncertain significance. Last evaluated: 2024-10-23. Review status: criteria provided, single submitter. Criteria: ACMG Guidelines, 2015. Collection method: clinical testing. Allele origin: germline.

Labcorp Genetics (formerly Invitae), Labcorp
Classification: Uncertain significance. Last evaluated: 2024-06-17. Review status: criteria provided, single submitter. Criteria: Invitae Variant Classification Sherloc (09022015). Collection method: clinical testing. Allele origin: germline.
Comment: This sequence change replaces arginine, which is basic and polar, with glutamine, which is neutral and polar, at codon 104 of the HIKESHI protein (p.Arg104Gln). This variant is present in population databases (rs144405206, gnomAD 0.07%). This variant has not been reported in the literature in individuals affected with HIKESHI-related conditions. ClinVar contains an entry for this variant (Variation ID: 2063445). An algorithm developed to predict the effect of missense changes on protein structure and function (PolyPhen-2) suggests that this variant is likely to be tolerated. In summary, the available evidence is currently insufficient to determine the role of this variant in disease. Therefore, it has been classified as a Variant of Uncertain Significance.

Ambry Genetics
Classification: Uncertain significance for Inborn genetic diseases. Last evaluated: 2021-07-20. Review status: criteria provided, single submitter. Criteria: Ambry Variant Classification Scheme 2023. Collection method: clinical testing. Allele origin: germline.

NM_016401.4(HIKESHI):c.311G>A (p.Arg104Gln)

Gene: HIKESHI (heat shock protein nuclear import factor hikeshi; plus strand). Cytogenetic location: 11q14.2.
Variant type: single nucleotide variant.
Coding change: c.311G>A on transcript NM_016401.4 (MANE Select); coding-DNA position 311, G replaced by A.
Protein change: p.Arg104Gln; replaces arginine 104 with glutamine.
Molecular consequence: missense variant. On other transcripts: non-coding transcript variant (3).
Genome position (GRCh38, 1-based): chr11:86,337,421, G>A. VCF-style: chr11-86337421-G-A. GRCh37 (hg19) VCF-style: chr11-86048463-G-A.
Other names: c.311G>A, p.Arg104Gln (NM_001322404.2); c.194G>A, p.Arg65Gln (NM_001322407.2, NM_001322409.2); short protein forms R104Q, R65Q.
Identifiers: ClinVar variation 2063445 (VCV002063445.20), dbSNP rs144405206, ClinGen allele CA6216718.